The following is an entry in ClinVar:

ClinVar aggregate classification (germline): Pathogenic (3 of 4 stars; one submission).

Conditions:
Breast-ovarian cancer, familial, susceptibility to, 2 (BROVCA2). Also called: BRCA2 Hereditary Breast and Ovarian Cancer. Identifiers: Orphanet 145, MedGen C2675520, MONDO:0012933, OMIM 612555. Disease mechanism: loss of function.

Submission:

Evidence-based Network for the Interpretation of Germline Mutant Alleles (ENIGMA)
Classification: Pathogenic for Breast-ovarian cancer, familial, susceptibility to, 2. Last evaluated: 2016-10-18. Review status: reviewed by expert panel. Criteria: ENIGMA BRCA1/2 Classification Criteria (2015). Collection method: curation. Allele origin: germline.
Comment: Variant allele predicted to encode a truncated non-functional protein.

NM_000059.4(BRCA2):c.6510dup (p.Val2171fs)

Gene: BRCA2 (BRCA2 DNA repair associated; plus strand). Cytogenetic location: 13q13.1.
Variant type: Duplication.
Coding change: c.6510dup on transcript NM_000059.4 (MANE Select); coding-DNA position 6510, one base duplicated (A; older notation c.6510dupA).
Protein change: p.Val2171fs; shifts the reading frame from valine 2171.
Molecular consequence: frameshift variant.
Genome position (GRCh38, 1-based): chr13:32,340,865, A duplicated; the last of 3 consecutive A bases (chr13:32,340,863-32,340,865); duplicating any one gives the same sequence. VCF-style (leftmost placement, unchanged base first): chr13-32340862-C-CA. GRCh37 (hg19) VCF-style: chr13-32914999-C-CA.
Other names: 6738insA; short protein forms V2171fs.
Identifiers: ClinVar variation 266954 (VCV000266954.3), dbSNP rs80359600, ClinGen allele CA10589383.
Genomic context (GRCh38, chr13:32,340,862, plus strand): 5'-TAAAGTTTCTCCATATCTCTCTCAATTTCAACAAGACAAACAACAGTTGGTATTAGGAAC[C>CA]AAAGTGTCACTTGTTGAGAACATTCATGTTTTGGGAAAAGAACAGGCTTCACCTAAAAAC-3'